The following is an entry in ClinVar:

NM_006158.5(NEFL):c.995A>C (p.Gln332Pro)

Gene: NEFL (neurofilament light chain; minus strand). Cytogenetic location: 8p21.2.
Variant type: single nucleotide variant.
Coding change: c.995A>C on transcript NM_006158.5 (MANE Select); coding-DNA position 995, A replaced by C.
Protein change: p.Gln332Pro; replaces glutamine 332 with proline.
Molecular consequence: missense variant.
Genome position (GRCh38, 1-based): chr8:24,955,521, T>G on the plus strand (A>C on the coding strand, the complement: NEFL is on the minus strand). VCF-style: chr8-24955521-T-G. GRCh37 (hg19) VCF-style: chr8-24813035-T-G.
Other names: NEFL, GLN333PRO; Q333P; short protein forms Q332P.
Identifiers: ClinVar variation 14028 (VCV000014028.3), dbSNP rs59443585, ClinGen allele CA217588.

ClinVar aggregate classification (germline): Pathogenic. Review status: criteria provided, single submitter (1 of 4 stars). 3 submissions from 3 submitters: Pathogenic (1). 2 of the submissions do not count toward it. Last evaluated 2016-11-03.

Conditions:
Charcot-Marie-Tooth disease type 2E (CMT2E). Also called: CHARCOT-MARIE-TOOTH DISEASE, AXONAL, TYPE 2E; CHARCOT-MARIE-TOOTH NEUROPATHY, TYPE 2E. Identifiers: Orphanet 99939, MedGen C1843225, MONDO:0011894, OMIM 607684.

Submissions (3):

Labcorp Genetics (formerly Invitae), Labcorp
Classification: Pathogenic for Charcot-Marie-Tooth disease type 2E. Last evaluated: 2016-11-03. Review status: criteria provided, single submitter. Criteria: Invitae Variant Classification Sherloc (09022015). Collection method: clinical testing. Allele origin: germline.
Comment: This variant is not present in population databases (ExAC no frequency). This sequence change replaces glutamine with proline at codon 332 of the NEFL protein (p.Gln332Pro). The glutamine residue is highly conserved and there is a moderate physicochemical difference between glutamine and proline. This variant has been reported to segregate with in a single family affected with Charcot-Marie-Tooth type 2 (CMT2) (PMID: 10841809) and reported in an individual affected with CMT (PMID: 27088055). This variant is also known as (c.998A>C; p.Q333P) in the literature. ClinVar contains an entry for this variant (Variation ID: 14028). For these reasons, this variant has been classified as Pathogenic. Experimental studies have shown that this missense change behaved like NFL gene knockout, reducing the fusion rate, decreasing length, and enhancing motility, subsequently impaired mitochondrial transport, and NEFL Q333P caused reversible misfolding of protein and could be refolded to form coil–coiled dimers in vitro using chaotropic agent (PMID: 22155564, 23618875). In addition, motor neurons microinjected with human Q333P mutant NFL cDNAs showed fragmentation of neurites and loss of targeted motor neurons (PMID: 17881652).

OMIM
Classification: Pathogenic for CHARCOT-MARIE-TOOTH DISEASE, AXONAL, TYPE 2E. Last evaluated: 2007-12-15. Review status: no assertion criteria provided. Collection method: literature only. Allele origin: germline. Not counted in ClinVar's aggregate classification.

Epithelial Biology;  Institute of Medical Biology, Singapore
No classification provided. Review status: no classification provided. Collection method: not provided. Allele origin: not provided. Not counted in ClinVar's aggregate classification.

Literature cited by the submitters: PubMed 10841809 (cited by Labcorp Genetics (formerly Invitae), Labcorp and OMIM); PubMed 27088055 (cited by Labcorp Genetics (formerly Invitae), Labcorp); PubMed 22155564 (cited by Labcorp Genetics (formerly Invitae), Labcorp); PubMed 23618875 (cited by Labcorp Genetics (formerly Invitae), Labcorp); PubMed 17881652 (cited by Labcorp Genetics (formerly Invitae), Labcorp and OMIM).